The following is an entry in ClinVar:

ClinVar aggregate classification (germline): Uncertain significance (1 of 4 stars; one submission).

gnomAD v4.1: 9 of 1,613,808 alleles (0.00056%); highest among the groups gnomAD compares: Non-Finnish European, 0.00076%; no homozygotes.

Submission:

Labcorp Genetics (formerly Invitae), Labcorp
Classification: Uncertain significance. Last evaluated: 2024-07-10. Review status: criteria provided, single submitter. Criteria: Invitae Variant Classification Sherloc (09022015). Collection method: clinical testing. Allele origin: germline.
Comment: This sequence change replaces tyrosine, which is neutral and polar, with histidine, which is basic and polar, at codon 477 of the DCHS1 protein (p.Tyr477His). This variant is present in population databases (rs771693289, gnomAD 0.0009%). This variant has not been reported in the literature in individuals affected with DCHS1-related conditions. Advanced modeling of protein sequence and biophysical properties (such as structural, functional, and spatial information, amino acid conservation, physicochemical variation, residue mobility, and thermodynamic stability) has been performed at Invitae for this missense variant, however the output from this modeling did not meet the statistical confidence thresholds required to predict the impact of this variant on DCHS1 protein function. In summary, the available evidence is currently insufficient to determine the role of this variant in disease. Therefore, it has been classified as a Variant of Uncertain Significance.

NM_003737.4(DCHS1):c.1429T>C (p.Tyr477His)

Gene: DCHS1 (dachsous cadherin-related 1; minus strand). Cytogenetic location: 11p15.4.
Variant type: single nucleotide variant.
Coding change: c.1429T>C on transcript NM_003737.4 (MANE Select); coding-DNA position 1429, T replaced by C.
Protein change: p.Tyr477His; replaces tyrosine 477 with histidine.
Molecular consequence: missense variant.
Genome position (GRCh38, 1-based): chr11:6,640,185, A>G on the plus strand (T>C on the coding strand, the complement: DCHS1 is on the minus strand). VCF-style: chr11-6640185-A-G. GRCh37 (hg19) VCF-style: chr11-6661416-A-G.
Other names: short protein forms Y477H.
Identifiers: ClinVar variation 3631256 (VCV003631256.2).